The following is an entry in ClinVar:

NM_000512.5(GALNS):c.1540A>G (p.Ile514Val)

Gene: GALNS (galactosamine (N-acetyl)-6-sulfatase; minus strand). Cytogenetic location: 16q24.3.
Variant type: single nucleotide variant.
Coding change: c.1540A>G on transcript NM_000512.5 (MANE Select); coding-DNA position 1540, A replaced by G.
Protein change: p.Ile514Val; replaces isoleucine 514 with valine.
Molecular consequence: missense variant.
Genome position (GRCh38, 1-based): chr16:88,814,468, T>C on the plus strand (A>G on the coding strand, the complement: GALNS is on the minus strand). VCF-style: chr16-88814468-T-C. GRCh37 (hg19) VCF-style: chr16-88880876-T-C.
Other names: c.985A>G, p.Ile329Val (NM_001323543.2); c.1558A>G, p.Ile520Val (NM_001323544.2); short protein forms I329V, I520V, I514V.
Identifiers: ClinVar variation 886730 (VCV000886730.6), dbSNP rs201153945, ClinGen allele CA8234634.

ClinVar aggregate classification (germline): Uncertain significance. Review status: criteria provided, multiple submitters, no conflicts (2 of 4 stars). 2 submissions from 2 submitters: Uncertain significance (2). Last evaluated 2021-08-26.

Conditions:
Mucopolysaccharidosis, MPS-IV-A (MPS4A). Also called: MPS IVA; Morquio syndrome A, mild; GALACTOSAMINE-6-SULFATASE DEFICIENCY; GALNS DEFICIENCY; MORQUIO A DISEASE; Mucopolysaccharidosis type IV A. Identifiers: Orphanet 309297, Orphanet 582, MedGen C0086651, MONDO:0009659, OMIM 253000.

Allele frequency attached by ClinVar (database versions not stated): TOPMed 0.00001; gnomAD 0.00002 and 0.00003; gnomAD exomes 0.00003 and 0.00005; ExAC 0.00004; 1000 Genomes Project 30x 0.00016; 1000 Genomes Project 0.00020.
gnomAD v4.1: 84 of 1,563,864 alleles (0.0054%); highest among the groups gnomAD compares: Non-Finnish European, 0.0066%; no homozygotes.

Submissions (2):

Labcorp Genetics (formerly Invitae), Labcorp
Classification: Uncertain significance for Mucopolysaccharidosis, MPS-IV-A. Last evaluated: 2021-08-26. Review status: criteria provided, single submitter. Criteria: Invitae Variant Classification Sherloc (09022015). Collection method: clinical testing. Allele origin: germline.
Comment: This sequence change replaces isoleucine with valine at codon 514 of the GALNS protein (p.Ile514Val). The isoleucine residue is weakly conserved and there is a small physicochemical difference between isoleucine and valine. This variant is present in population databases (rs201153945, ExAC 0.01%). This variant has not been reported in the literature in individuals affected with GALNS-related conditions. ClinVar contains an entry for this variant (Variation ID: 886730). Advanced modeling of protein sequence and biophysical properties (such as structural, functional, and spatial information, amino acid conservation, physicochemical variation, residue mobility, and thermodynamic stability) performed at Invitae indicates that this missense variant is not expected to disrupt GALNS protein function. In summary, the available evidence is currently insufficient to determine the role of this variant in disease. Therefore, it has been classified as a Variant of Uncertain Significance.

Illumina Laboratory Services, Illumina
Classification: Uncertain significance for Mucopolysaccharidosis, MPS-IV-A. Last evaluated: 2018-01-12. Review status: criteria provided, single submitter. Criteria: ICSL Variant Classification Criteria 13 December 2019. Collection method: clinical testing. Allele origin: germline.